The following is an entry in ClinVar:

ClinVar aggregate classification (germline): Uncertain significance (1 of 4 stars; one submission).

Conditions:
SAMD14-related disorder. Also called: SAMD14-related condition.

gnomAD v4.1: 2 of 1,564,446 alleles (0.00013%); no homozygotes.

Submission:

PreventionGenetics, part of Exact Sciences
Classification: Uncertain significance for SAMD14-related condition. Last evaluated: 2026-04-21. Review status: criteria provided, single submitter. Criteria: ACMG Guidelines, 2015. Collection method: clinical testing. Allele origin: germline.
Comment: The SAMD14 c.802C>T variant is predicted to result in the amino acid substitution p.Pro268Ser. To our knowledge, this variant has not been reported in the literature or in a large population database (gnomAD), indicating this variant is rare. At this time, the clinical significance of this variant is uncertain due to the absence of conclusive functional and genetic evidence.

NM_001257359.2(SAMD14):c.802C>T (p.Pro268Ser)

Gene: SAMD14 (sterile alpha motif domain containing 14; minus strand). Cytogenetic location: 17q21.33.
Variant type: single nucleotide variant.
Coding change: c.802C>T on transcript NM_001257359.2 (MANE Select); coding-DNA position 802, C replaced by T.
Protein change: p.Pro268Ser; replaces proline 268 with serine.
Molecular consequence: missense variant.
Genome position (GRCh38, 1-based): chr17:50,115,584, G>A on the plus strand (C>T on the coding strand, the complement: SAMD14 is on the minus strand). VCF-style: chr17-50115584-G-A. GRCh37 (hg19) VCF-style: chr17-48192948-G-A.
Other names: c.802C>T, p.Pro268Ser (NM_174920.4); short protein forms P268S.
Identifiers: ClinVar variation 4993752 (VCV004993752.1).